The following is an entry in ClinVar:

NM_000051.4(ATM):c.5729T>C (p.Leu1910Pro)

Gene: ATM (ATM serine/threonine kinase; plus strand). Cytogenetic location: 11q22.3.
Variant type: single nucleotide variant.
Coding change: c.5729T>C on transcript NM_000051.4 (MANE Select); coding-DNA position 5729, T replaced by C.
Protein change: p.Leu1910Pro; replaces leucine 1910 with proline.
Molecular consequence: missense variant.
Genome position (GRCh38, 1-based): chr11:108,307,951, T>C. VCF-style: chr11-108307951-T-C. GRCh37 (hg19) VCF-style: chr11-108178678-T-C.
Other names: c.5729T>C, p.Leu1910Pro (NM_001351834.2); short protein forms L1910P.
Identifiers: ClinVar variation 1425901 (VCV001425901.8), dbSNP rs2135977294, ClinGen allele CA382547958.

ClinVar aggregate classification (germline): Uncertain significance (1 of 4 stars; one submission).

Conditions:
Ataxia-telangiectasia syndrome (AT). Also called: Ataxia telangiectasia (A-T); LOUIS-BAR SYNDROME; Cerebello-oculocutaneous telangiectasia; Immunodeficiency with ataxia telangiectasia; AT, COMPLEMENTATION GROUP C; Ataxia-telangiectasia, complementation group D. Identifiers: Orphanet 100, MedGen C0004135, MONDO:0008840, OMIM 208900.

Submission:

Labcorp Genetics (formerly Invitae), Labcorp
Classification: Uncertain significance for Ataxia-telangiectasia syndrome. Last evaluated: 2024-07-12. Review status: criteria provided, single submitter. Criteria: Invitae Variant Classification Sherloc (09022015). Collection method: clinical testing. Allele origin: germline.
Comment: This sequence change replaces leucine, which is neutral and non-polar, with proline, which is neutral and non-polar, at codon 1910 of the ATM protein (p.Leu1910Pro). This variant is not present in population databases (gnomAD no frequency). This variant has not been reported in the literature in individuals affected with ATM-related conditions. ClinVar contains an entry for this variant (Variation ID: 1425901). An algorithm developed to predict the effect of missense changes on protein structure and function (PolyPhen-2) suggests that this variant is likely to be disruptive. In summary, the available evidence is currently insufficient to determine the role of this variant in disease. Therefore, it has been classified as a Variant of Uncertain Significance.